The following is an entry in ClinVar:

ClinVar aggregate classification (germline): Conflicting classifications of pathogenicity. Review status: criteria provided, conflicting classifications (1 of 4 stars). 2 submissions from 2 submitters: Pathogenic (1); Uncertain significance (1). Last evaluated 2024-07-29.

Conditions:
Autosomal recessive limb-girdle muscular dystrophy type 2J (LGMDR10). Also called: MUSCULAR DYSTROPHY, LIMB-GIRDLE, AUTOSOMAL RECESSIVE 10; Limb-girdle muscular dystrophy, type 2J. Identifiers: Orphanet 140922, MedGen C1837342, MONDO:0012127, OMIM 608807.
Dilated cardiomyopathy 1G (CMD1G). Identifiers: Orphanet 154, MedGen C1858763, MONDO:0011400, OMIM 604145.
TTN-related myopathy. Identifiers: MedGen CN294812, MONDO:0100175.

Submissions (2):

Labcorp Genetics (formerly Invitae), Labcorp
Classification: Pathogenic for Dilated cardiomyopathy 1G; Autosomal recessive limb-girdle muscular dystrophy type 2J. Last evaluated: 2024-07-29. Review status: criteria provided, single submitter. Criteria: Invitae Variant Classification Sherloc (09022015). Collection method: clinical testing. Allele origin: germline.
Comment: This sequence change creates a premature translational stop signal (p.Ile2535Leufs*55) in the TTN gene. While this is not anticipated to result in nonsense mediated decay, it is expected to create a truncated TTN protein. This variant is not present in population databases (gnomAD no frequency). This premature translational stop signal has been observed in individuals with dilated cardiomyopathy (Invitae). ClinVar contains an entry for this variant (Variation ID: 1496585). This variant is located in the I band of TTN (PMID: 25589632). Truncating variants in this region have been reported in individuals affected with autosomal recessive centronuclear myopathy (PMID: 23975875, Invitae internal data). Truncating variants in this region have also been identified in individuals affected with autosomal dominant dilated cardiomyopathy and/or cardio-related conditions (PMID: 27869827, 32964742, Invitae internal data). For these reasons, this variant has been classified as Pathogenic.

Clinical Genomics Laboratory, Stanford Medicine
Classification: Uncertain significance for Dilated cardiomyopathy 1G; TTN-related myopathy. Last evaluated: 2023-02-16. Review status: criteria provided, single submitter. Criteria: ACMG Guidelines, 2015. Collection method: clinical testing. Allele origin: germline. Affected: yes. Observed: 1 variant allele, 1 heterozygote.
Comment: The p.Ile2535Leufs*55 variant in the TTN gene has not been previously reported in association with disease. This variant was absent from large population databases, including the Genome Aggregation Database. This variant is present in ClinVar (Accession: VCV001496585.8). This variant results in 1bp deletion, which causes a shift in the protein reading frame, leading to a premature termination codon 55 amino acids downstream. Heterozygous loss of function variants in the A-band are an established mechanism of disease for the TTN gene, however, this variant is located in the I-band. These data were assessed using the ACMG/AMP variant interpretation guidelines. In summary, the significance of the p.Ile2535Leufs*55 variant is uncertain. Additional information is needed to resolve the significance of this variant. [ACMG evidence codes used: PVS1_Moderate; PM2]

Literature cited by the submitters: PubMed 25589632 (cited by Labcorp Genetics (formerly Invitae), Labcorp); PubMed 23975875 (cited by Labcorp Genetics (formerly Invitae), Labcorp); PubMed 27869827 (cited by Labcorp Genetics (formerly Invitae), Labcorp); PubMed 32964742 (cited by Labcorp Genetics (formerly Invitae), Labcorp).

NM_001267550.2(TTN):c.7599del (p.Ile2535fs)

Gene: TTN (titin; minus strand). Cytogenetic location: 2q31.2.
Variant type: Deletion.
Coding change: c.7599del on transcript NM_001267550.2 (MANE Select); coding-DNA position 7599, one base deleted (T; older notation c.7599delT).
Protein change: p.Ile2535fs; shifts the reading frame from isoleucine 2535.
Molecular consequence: frameshift variant.
Genome position (GRCh38, 1-based): chr2:178,773,365, A deleted on the plus strand (T on the coding strand, the reverse complement: TTN is on the minus strand); the first of 2 consecutive A bases (chr2:178,773,365-178,773,366); deleting either gives the same sequence. VCF-style (leftmost placement, unchanged base first): chr2-178773364-TA-T. GRCh37 (hg19) VCF-style: chr2-179638091-TA-T.
Other names: c.7599del, p.Ile2535fs (NM_001256850.1, NM_133378.4, NM_133379.5); c.7461del, p.Ile2489fs (NM_003319.4, NM_133432.3, NM_133437.4); c.7599delT (NM_001267550.1); short protein forms I2489fs, I2535fs.
Identifiers: ClinVar variation 1496585 (VCV001496585.9), dbSNP rs2091811840, ClinGen allele CA1310616346.